The following is an entry in ClinVar:

NM_004100.5(EYA4):c.*1142del

Genes: EYA4 (EYA transcriptional coactivator and phosphatase 4; plus strand), TARID (TCF21 antisense RNA inducing promoter demethylation; minus strand). Cytogenetic location: 6q23.2.
Variant type: Deletion.
Coding change: c.*1142del on transcript NM_004100.5 (MANE Select); 1142 bases downstream of the stop codon, one base deleted (T; older notation c.*1142delT).
Molecular consequence: 3 prime UTR variant.
Genome position (GRCh38, 1-based): chr6:133,529,947, T deleted; the last of 6 consecutive T bases (chr6:133,529,942-133,529,947); deleting any one gives the same sequence. VCF-style (leftmost placement, unchanged base first): chr6-133529941-CT-C. GRCh37 (hg19) VCF-style: chr6-133851079-CT-C.
Other names: c.*1142del (NM_001301012.2, NM_001301013.2, NM_001370458.1 and 3 more transcripts).
Identifiers: ClinVar variation 355452 (VCV000355452.6), dbSNP rs886061091, ClinGen allele CA10625824.
Genomic context (GRCh38, chr6:133,529,941, plus strand): 5'-ATGTGTAAGTTGCATAGAGGAGGATATTATCATGCAAATCATGAGCAATTATCACATAAA[CT>C]TTTTTAGAATGTGCCATGAACATGGCATAAAATTCACATTGAGTGCACAGGGCTTAAAAT-3'

ClinVar aggregate classification (germline): Likely benign (1 of 4 stars; one submission).

Submission:

GeneDx
Classification: Likely benign. Last evaluated: 2021-12-03. Review status: criteria provided, single submitter. Criteria: GeneDx Variant Classification Process June 2021. Collection method: clinical testing. Allele origin: germline. Affected: yes.
Comment: See Variant Classification Assertion Criteria.